The following is an entry in ClinVar:

NM_005431.2(XRCC2):c.614C>T (p.Ser205Leu)

Gene: XRCC2 (X-ray repair cross complementing 2; minus strand). Cytogenetic location: 7q36.1.
Variant type: single nucleotide variant.
Coding change: c.614C>T on transcript NM_005431.2 (MANE Select); coding-DNA position 614, C replaced by T.
Protein change: p.Ser205Leu; replaces serine 205 with leucine.
Molecular consequence: missense variant.
Genome position (GRCh38, 1-based): chr7:152,648,871, G>A on the plus strand (C>T on the coding strand, the complement: XRCC2 is on the minus strand). VCF-style: chr7-152648871-G-A. GRCh37 (hg19) VCF-style: chr7-152345956-G-A.
Other names: short protein forms S205L.
Identifiers: ClinVar variation 1058303 (VCV001058303.9), dbSNP rs2116987380, ClinGen allele CA370198315.
Genomic context (GRCh38, chr7:152,648,871, plus strand): 5'-GGTCTGTAGTCTATGTCCACATCACACAGTCGTCGAGAGGCATGAGAAGGTTCTTCTGAT[G>A]AGCTCGAGGCTTTCTGCATTATAGTTTGTGTCGTTGCAAAAAGAACCAGGCGATAGTCAT-3'
Protein context (NP_005422.1, residues 195-215): TQTIMQKASS[Ser205Leu]SEEPSHASRR

ClinVar aggregate classification (germline): Uncertain significance (1 of 4 stars; one submission).

Submission:

Labcorp Genetics (formerly Invitae), Labcorp
Classification: Uncertain significance. Last evaluated: 2017-03-19. Review status: criteria provided, single submitter. Criteria: Invitae Variant Classification Sherloc (09022015). Collection method: clinical testing. Allele origin: germline.
Comment: In summary, this variant is a novel missense change that is not predicted to affect protein function. There is no indication that it causes disease, but the available evidence is currently insufficient to prove that conclusively. Therefore, it has been classified as a Variant of Uncertain Significance. Algorithms developed to predict the effect of missense changes on protein structure and function output the following: SIFT: "Tolerated"; PolyPhen-2: "Benign"; Align-GVGD: "Class C0". The leucine amino acid residue is found in multiple mammalian species, suggesting that this missense change does not adversely affect protein function. These predictions have not been confirmed by published functional studies. This variant is not present in population databases (ExAC no frequency) and has not been reported in the literature in individuals with a XRCC2-related disease. This sequence change replaces serine with leucine at codon 205 of the XRCC2 protein (p.Ser205Leu). The serine residue is moderately conserved and there is a large physicochemical difference between serine and leucine.